The following is an entry in ClinVar:

ClinVar aggregate classification (germline): Uncertain significance. Review status: criteria provided, multiple submitters, no conflicts (2 of 4 stars). 2 submissions from 2 submitters: Uncertain significance (2). Last evaluated 2023-12-11.

Conditions:
Treacher Collins syndrome 1 (TCS1). Also called: TCOF1-Related Treacher Collins Syndrome. Identifiers: Orphanet 861, MedGen CN315775, MONDO:0007944, OMIM 154500.

Allele frequency attached by ClinVar (database versions not stated): gnomAD exomes below 0.00001; ExAC 0.00001.
gnomAD v4.1: 1 of 1,614,114 alleles (0.000062%); highest among the groups gnomAD compares: Non-Finnish European, 0.000085%; no homozygotes.

Submissions (2):

Labcorp Genetics (formerly Invitae), Labcorp
Classification: Uncertain significance for Treacher Collins syndrome 1. Last evaluated: 2023-12-11. Review status: criteria provided, single submitter. Criteria: Invitae Variant Classification Sherloc (09022015). Collection method: clinical testing. Allele origin: germline.
Comment: This sequence change replaces glycine, which is neutral and non-polar, with glutamic acid, which is acidic and polar, at codon 145 of the TCOF1 protein (p.Gly145Glu). This variant is present in population databases (rs746127551, gnomAD 0.0009%). This variant has not been reported in the literature in individuals affected with TCOF1-related conditions. Advanced modeling of protein sequence and biophysical properties (such as structural, functional, and spatial information, amino acid conservation, physicochemical variation, residue mobility, and thermodynamic stability) performed at Invitae indicates that this missense variant is not expected to disrupt TCOF1 protein function with a negative predictive value of 80%. In summary, the available evidence is currently insufficient to determine the role of this variant in disease. Therefore, it has been classified as a Variant of Uncertain Significance.

Breakthrough Genomics
Classification: Uncertain significance. Review status: criteria provided, single submitter. Criteria: ACMG Guidelines, 2015. Collection method: not provided. Allele origin: germline. Inheritance: Autosomal dominant inheritance. Affected: yes.

NM_001371623.1(TCOF1):c.434G>A (p.Gly145Glu)

Gene: TCOF1 (treacle ribosome biogenesis factor 1; plus strand). Cytogenetic location: 5q32.
Variant type: single nucleotide variant.
Coding change: c.434G>A on transcript NM_001371623.1 (MANE Select); coding-DNA position 434, G replaced by A.
Protein change: p.Gly145Glu; replaces glycine 145 with glutamic acid.
Molecular consequence: missense variant.
Genome position (GRCh38, 1-based): chr5:150,368,771, G>A. VCF-style: chr5-150368771-G-A. GRCh37 (hg19) VCF-style: chr5-149748334-G-A.
Other names: c.434G>A, p.Gly145Glu (NM_000356.4, NM_001008657.3, NM_001135243.2 and 3 more transcripts); short protein forms G145E.
Identifiers: ClinVar variation 2710852 (VCV002710852.4), dbSNP rs746127551, ClinGen allele CA3510564.